The following is an entry in ClinVar:

ClinVar aggregate classification (germline): Likely pathogenic (1 of 4 stars; one submission).

Allele frequency attached by ClinVar (database versions not stated): gnomAD exomes below 0.00001; ExAC 0.00001; TOPMed 0.00002.
gnomAD v4.1: 3 of 1,614,166 alleles (0.00019%); highest among the groups gnomAD compares: Non-Finnish European, 0.00025%; no homozygotes.

Submission:

GeneDx
Classification: Likely pathogenic. Last evaluated: 2016-07-08. Review status: criteria provided, single submitter. Criteria: GeneDx Variant Classification (06012015). Collection method: clinical testing. Allele origin: germline. Affected: yes.
Comment: The R119Q variant in the MYF6 gene has not been reported previously as a pathogenic variant, nor as a benign variant, to our knowledge. The R119Q variant was not observed in approximately 6,500 individuals of European and African American ancestry in the NHLBI Exome Sequencing Project, indicating it is not a common benign variant in these populations. The R119Q variant is a semi-conservative amino acid substitution, which may impact secondary protein structure as these residues differ in some properties. This substitution occurs at a position within the bHLH domain where amino acids with similar properties to Arginine are tolerated across species. However, in silico analysis is inconsistent in its predictions as to whether or not the variant is damaging to the protein structure/function. The R119Q variant is a strong candidate for a pathogenic variant, however, the possibility it may be a rare benign variant cannot be excluded.

NM_002469.3(MYF6):c.356G>A (p.Arg119Gln)

Gene: MYF6 (myogenic factor 6; plus strand). Cytogenetic location: 12q21.31.
Variant type: single nucleotide variant.
Coding change: c.356G>A on transcript NM_002469.3 (MANE Select); coding-DNA position 356, G replaced by A.
Protein change: p.Arg119Gln; replaces arginine 119 with glutamine.
Molecular consequence: missense variant.
Genome position (GRCh38, 1-based): chr12:80,708,075, G>A. VCF-style: chr12-80708075-G-A. GRCh37 (hg19) VCF-style: chr12-81101854-G-A.
Other names: short protein forms R119Q.
Identifiers: ClinVar variation 421670 (VCV000421670.2), dbSNP rs747205109, ClinGen allele CA6703077.